The following is an entry in ClinVar:

ClinVar aggregate classification (germline): Uncertain significance (1 of 4 stars; one submission).

Allele frequency attached by ClinVar (database versions not stated): gnomAD exomes 0.00002 and 0.00003; TOPMed 0.00002; ExAC 0.00005.

Submission:

Labcorp Genetics (formerly Invitae), Labcorp
Classification: Uncertain significance. Last evaluated: 2026-02-02. Review status: criteria provided, single submitter. Criteria: Invitae Variant Classification Sherloc (09022015). Collection method: clinical testing. Allele origin: germline.
Comment: This sequence change falls in intron 2 of the SEPT9 gene. It does not directly change the encoded amino acid sequence of the SEPT9 protein. It affects a nucleotide within the consensus splice site. This variant is present in population databases (rs767173662, gnomAD 0.009%). This variant has not been reported in the literature in individuals affected with SEPT9-related conditions. ClinVar contains an entry for this variant (Variation ID: 1682621). Variants that disrupt the consensus splice site are a relatively common cause of aberrant splicing (PMID: 17576681, 9536098). Algorithms developed to predict the effect of sequence changes on RNA splicing suggest that this variant is not likely to affect RNA splicing. In summary, the available evidence is currently insufficient to determine the role of this variant in disease. Therefore, it has been classified as a Variant of Uncertain Significance.

Literature cited by the submitters: PubMed 17576681; PubMed 9536098.

NM_001113491.2(SEPTIN9):c.722-3C>T

Gene: SEPTIN9 (septin 9; plus strand). Cytogenetic location: 17q25.3.
Variant type: single nucleotide variant.
Coding change: c.722-3C>T on transcript NM_001113491.2 (MANE Select); 3 bases into the intron before coding-DNA position 722, C replaced by T.
Molecular consequence: intron variant.
Genome position (GRCh38, 1-based): chr17:77,482,141, C>T. VCF-style: chr17-77482141-C-T. GRCh37 (hg19) VCF-style: chr17-75478223-C-T.
Other names: c.665-3C>T (NM_001293695.2); c.230-3C>T (NM_001113492.2, NM_001113494.1); c.668-3C>T (NM_006640.5); c.701-3C>T (NM_001113493.2); c.50-3C>T (NM_001293696.2); c.-32-3C>T (NM_001113496.2, NM_001293697.2, NM_001293698.2 and 1 more transcripts).
Identifiers: ClinVar variation 1682621 (VCV001682621.5), dbSNP rs767173662, ClinGen allele CA8793509.